The following is an entry in ClinVar:

ClinVar aggregate classification (germline): Uncertain significance (1 of 4 stars; one submission).

Conditions:
Bethlem myopathy 1A. Also called: Bethlem myopathy 1; MYOPATHY, BENIGN CONGENITAL, WITH CONTRACTURES; Bethlem Muscular Dystrophy. Identifiers: Orphanet 610, MedGen CN029274, MONDO:0024530, OMIM 158810.

Allele frequency attached by ClinVar (database versions not stated): gnomAD exomes below 0.00001.
gnomAD v4.1: 1 of 1,611,948 alleles (0.000062%); highest among the groups gnomAD compares: Non-Finnish European, 0.000085%; no homozygotes.

Submission:

Labcorp Genetics (formerly Invitae), Labcorp
Classification: Uncertain significance for Bethlem myopathy 1A. Last evaluated: 2023-11-12. Review status: criteria provided, single submitter. Criteria: Invitae Variant Classification Sherloc (09022015). Collection method: clinical testing. Allele origin: germline.
Comment: This sequence change replaces isoleucine, which is neutral and non-polar, with valine, which is neutral and non-polar, at codon 226 of the COL6A2 protein (p.Ile226Val). This variant is not present in population databases (gnomAD no frequency). This variant has not been reported in the literature in individuals affected with COL6A2-related conditions. Advanced modeling of protein sequence and biophysical properties (such as structural, functional, and spatial information, amino acid conservation, physicochemical variation, residue mobility, and thermodynamic stability) performed at Invitae indicates that this missense variant is not expected to disrupt COL6A2 protein function with a negative predictive value of 95%. In summary, the available evidence is currently insufficient to determine the role of this variant in disease. Therefore, it has been classified as a Variant of Uncertain Significance.

NM_001849.4(COL6A2):c.676A>G (p.Ile226Val)

Gene: COL6A2 (collagen type VI alpha 2 chain; plus strand). Cytogenetic location: 21q22.3.
Variant type: single nucleotide variant.
Coding change: c.676A>G on transcript NM_001849.4 (MANE Select); coding-DNA position 676, A replaced by G.
Protein change: p.Ile226Val; replaces isoleucine 226 with valine.
Molecular consequence: missense variant.
Genome position (GRCh38, 1-based): chr21:46,112,539, A>G. VCF-style: chr21-46112539-A-G. GRCh37 (hg19) VCF-style: chr21-47532453-A-G.
Other names: c.676A>G, p.Ile226Val (NM_058174.3, NM_058175.3); short protein forms I226V.
Identifiers: ClinVar variation 2873592 (VCV002873592.3), dbSNP rs2516990520, ClinGen allele CA410523079.